The following is an entry in ClinVar:

ClinVar aggregate classification (germline): Uncertain significance (1 of 4 stars; one submission).

Submission:

Dasa
Classification: Uncertain significance. Last evaluated: 2025-08-30. Review status: criteria provided, single submitter. Criteria: DASA Assertion Criteria. Collection method: clinical testing. Allele origin: germline.
Comment: NM_001376.5(DYNC1H1):c.10367C>T (p.Ser3456Leu) is a missense variant that results in the substitution of serine with leucine. This variant is absent from population databases. Computational prediction algorithms are consistent with a deleterious effect. The currently available literature and clinical evidence are not sufficient to establish a definitive association between this variant and the reported condition. Therefore, this variant is classified as a variant of uncertain significance.

NM_001376.5(DYNC1H1):c.10367C>T (p.Ser3456Leu)

Gene: DYNC1H1 (dynein cytoplasmic 1 heavy chain 1; plus strand). Cytogenetic location: 14q32.31.
Variant type: single nucleotide variant.
Coding change: c.10367C>T on transcript NM_001376.5 (MANE Select); coding-DNA position 10367, C replaced by T.
Protein change: p.Ser3456Leu; replaces serine 3456 with leucine.
Molecular consequence: missense variant.
Genome position (GRCh38, 1-based): chr14:102,033,438, C>T. VCF-style: chr14-102033438-C-T. GRCh37 (hg19) VCF-style: chr14-102499775-C-T.
Other names: short protein forms S3456L.
Identifiers: ClinVar variation 4882968 (VCV004882968.2).